The following is an entry in ClinVar:

NC_000023.10:g.(?_31137344)_(31279134_31341714)dup

Gene: DMD (dystrophin; minus strand). Cytogenetic location: Xp21.2.
Variant type: Duplication.
Identifiers: ClinVar variation 996247 (VCV000996247.1).

ClinVar aggregate classification (germline): Uncertain significance (1 of 4 stars; one submission).

Submission:

Women's Health and Genetics/Laboratory Corporation of America, LabCorp
Classification: Uncertain significance. Last evaluated: 2021-01-28. Review status: criteria provided, single submitter. Criteria: LabCorp Variant Classification Summary - May 2015. Collection method: clinical testing. Allele origin: germline.
Comment: Variant summary: The variant identified by MLPA or other technology involves the duplication of exons 63-79 in the DMD gene. A presumed nomenclature of c.(9224+1_9225-1)_(*2692_?)dup has been designated for the purposes of this classification. It has been assumed that this is a tandem duplication in direct orientation (Richardson_GIM_2018, Newman_AJHG_2015). The variant was absent in 15815 control chromosomes (gnomAD, Structural Variants dataset). The available data on variant occurrences in the general population are insufficient to allow any conclusion about variant significance. To our knowledge, no occurrence of exons 63-79 duplication on its own in individuals affected with Dystrophinopathies and no experimental evidence demonstrating its impact on protein function have been reported. No clinical diagnostic laboratories have submitted clinical-significance assessments for this variant to ClinVar after 2014. Based on the evidence outlined above, the variant was classified as uncertain significance.